The following is an entry in ClinVar:

NM_000098.3(CPT2):c.833C>A (p.Ser278Ter)

Gene: CPT2 (carnitine palmitoyltransferase 2; plus strand). Cytogenetic location: 1p32.3.
Variant type: single nucleotide variant.
Coding change: c.833C>A on transcript NM_000098.3 (MANE Select); coding-DNA position 833, C replaced by A.
Protein change: p.Ser278Ter; replaces serine 278 with a stop codon.
Molecular consequence: nonsense.
Genome position (GRCh38, 1-based): chr1:53,210,507, C>A. VCF-style: chr1-53210507-C-A. GRCh37 (hg19) VCF-style: chr1-53676179-C-A.
Other names: c.833C>A, p.Ser278Ter (NM_001330589.2); short protein forms S278*.
Identifiers: ClinVar variation 5004430 (VCV005004430.1).

ClinVar aggregate classification (germline): Pathogenic (1 of 4 stars; one submission).

Conditions:
Carnitine palmitoyltransferase II deficiency. Also called: Carnitine Palmitoyltransferase 2 Deficiency. Identifiers: Orphanet 157, MedGen C0342790, MONDO:0015515.

Submission:

Myriad Genetics, Inc.
Classification: Pathogenic for Carnitine palmitoyltransferase II deficiency. Last evaluated: 2026-01-29. Review status: criteria provided, single submitter. Criteria: Myriad Autosomal Dominant, Autosomal Recessive and X-Linked Classification Criteria (2023). Collection method: clinical testing. Allele origin: unknown.
Comment: NM_000098.2(CPT2):c.833C>A(S278*) is a nonsense variant classified as pathogenic in the context of carnitine palmitoyltransferase II deficiency. S278* has not been observed in cases with relevant disease. Relevant functional assessments of this variant are not available in the literature. S278* has not been observed in referenced population frequency databases. In summary, NM_000098.2(CPT2):c.833C>A(S278*) is a nonsense variant in a gene where loss of function is a known mechanism of disease and is predicted to disrupt protein function. Please note: this variant was assessed in the context of healthy population screening.